The following is an entry in ClinVar:

ClinVar aggregate classification (germline): Uncertain significance (1 of 4 stars; one submission).

gnomAD v4.1: 1 of 1,554,218 alleles (0.000064%); highest among the groups gnomAD compares: African/African-American, 0.0014%; no homozygotes.

Submission:

Labcorp Genetics (formerly Invitae), Labcorp
Classification: Uncertain significance. Last evaluated: 2024-09-08. Review status: criteria provided, single submitter. Criteria: Invitae Variant Classification Sherloc (09022015). Collection method: clinical testing. Allele origin: germline.
Comment: This sequence change replaces glutamine, which is neutral and polar, with arginine, which is basic and polar, at codon 697 of the VAV1 protein (p.Gln697Arg). This variant is not present in population databases (gnomAD no frequency). This variant has not been reported in the literature in individuals affected with VAV1-related conditions. An algorithm developed to predict the effect of missense changes on protein structure and function (PolyPhen-2) suggests that this variant is likely to be disruptive. In summary, the available evidence is currently insufficient to determine the role of this variant in disease. Therefore, it has been classified as a Variant of Uncertain Significance.

NM_005428.4(VAV1):c.2090A>G (p.Gln697Arg)

Gene: VAV1 (vav guanine nucleotide exchange factor 1; plus strand). Cytogenetic location: 19p13.3.
Variant type: single nucleotide variant.
Coding change: c.2090A>G on transcript NM_005428.4 (MANE Select); coding-DNA position 2090, A replaced by G.
Protein change: p.Gln697Arg; replaces glutamine 697 with arginine.
Molecular consequence: missense variant.
Genome position (GRCh38, 1-based): chr19:6,848,075, A>G. VCF-style: chr19-6848075-A-G. GRCh37 (hg19) VCF-style: chr19-6848086-A-G.
Other names: c.2024A>G, p.Gln675Arg (NM_001258206.2); c.1994A>G, p.Gln665Arg (NM_001258207.2); short protein forms Q697R, Q675R, Q665R.
Identifiers: ClinVar variation 3664300 (VCV003664300.2).
Genomic context (GRCh38, chr19:6,848,075, plus strand): 5'-AGCGGGCAGGGGCAGAGAGCATCCTGGCCAACCGCTCGGACGGGACTTTCTTGGTGCGGC[A>G]GAGGGTGAAGGATGCAGCAGAATTTGCCATCAGCATTAAGTAACTCCTTTCTCCCTGACT-3'
Protein context (NP_005419.2, residues 687-707): NRSDGTFLVR[Gln697Arg]RVKDAAEFAI